The following is an entry in ClinVar:

NM_000170.3(GLDC):c.1058+2T>A

Gene: GLDC (glycine decarboxylase; minus strand). Cytogenetic location: 9p24.1.
Variant type: single nucleotide variant.
Coding change: c.1058+2T>A on transcript NM_000170.3 (MANE Select); the canonical splice donor site of the intron after coding-DNA position 1058, T replaced by A.
Molecular consequence: splice donor variant.
Genome position (GRCh38, 1-based): chr9:6,604,586, A>T on the plus strand (T>A on the coding strand, the complement: GLDC is on the minus strand). VCF-style: chr9-6604586-A-T. GRCh37 (hg19) VCF-style: chr9-6604586-A-T.
Identifiers: ClinVar variation 643420 (VCV000643420.7), dbSNP rs1587959976, ClinGen allele CA372895232.

ClinVar aggregate classification (germline): Pathogenic (1 of 4 stars; one submission).

Conditions:
Glycine encephalopathy. Also called: Non-ketotic hyperglycinemia; Nonketotic hyperglycinemia. Identifiers: Orphanet 407, MedGen C0751748, MONDO:0011612, HP:0008288.

Allele frequency attached by ClinVar (database versions not stated): gnomAD exomes 0.00001.
gnomAD v4.1: 7 of 1,610,440 alleles (0.00043%); highest among the groups gnomAD compares: Non-Finnish European, 0.00059%; no homozygotes.

Submission:

Labcorp Genetics (formerly Invitae), Labcorp
Classification: Pathogenic for Glycine encephalopathy. Last evaluated: 2018-10-07. Review status: criteria provided, single submitter. Criteria: Invitae Variant Classification Sherloc (09022015). Collection method: clinical testing. Allele origin: germline.
Comment: For these reasons, this variant has been classified as Pathogenic. Disruption of this splice site has been observed in combination with another GLDC variant in an individual affected with glycine encephalopathy (PMID: 27362913). Donor and acceptor splice site variants typically lead to a loss of protein function (PMID: 16199547), and loss-of-function variants in GLDC are known to be pathogenic (PMID: 16601880). Algorithms developed to predict the effect of sequence changes on RNA splicing suggest that this variant may disrupt the consensus splice site, but this prediction has not been confirmed by published transcriptional studies. This variant is not present in population databases (ExAC no frequency). This sequence change affects a donor splice site in intron 7 of the GLDC gene. It is expected to disrupt RNA splicing and likely results in an absent or disrupted protein product.

Literature cited by the submitters: PubMed 27362913; PubMed 16199547; PubMed 16601880.